The following is an entry in ClinVar:

ClinVar aggregate classification (germline): Uncertain significance (1 of 4 stars; one submission).

Conditions:
Dilated cardiomyopathy 1O (CMD1O). Also called: CARDIOMYOPATHY, DILATED, WITH VENTRICULAR TACHYCARDIA. Identifiers: Orphanet 154, MedGen C1837839, MONDO:0012062, OMIM 608569.

Allele frequency attached by ClinVar (database versions not stated): gnomAD exomes below 0.00001.
gnomAD v4.1: 1 of 1,612,998 alleles (0.000062%); highest among the groups gnomAD compares: Middle Eastern, 0.016%; no homozygotes.

Submission:

Labcorp Genetics (formerly Invitae), Labcorp
Classification: Uncertain significance for Dilated cardiomyopathy 1O. Last evaluated: 2022-12-07. Review status: criteria provided, single submitter. Criteria: Invitae Variant Classification Sherloc (09022015). Collection method: clinical testing. Allele origin: germline.
Comment: In summary, the available evidence is currently insufficient to determine the role of this variant in disease. Therefore, it has been classified as a Variant of Uncertain Significance. Advanced modeling of protein sequence and biophysical properties (such as structural, functional, and spatial information, amino acid conservation, physicochemical variation, residue mobility, and thermodynamic stability) performed at Invitae indicates that this missense variant is not expected to disrupt ABCC9 protein function. This variant has not been reported in the literature in individuals affected with ABCC9-related conditions. This variant is not present in population databases (gnomAD no frequency). This sequence change replaces asparagine, which is neutral and polar, with serine, which is neutral and polar, at codon 1485 of the ABCC9 protein (p.Asn1485Ser).

NM_020297.4(ABCC9):c.4454A>G (p.Asn1485Ser)

Genes: ABCC9 (ATP binding cassette subfamily C member 9; minus strand), KCNJ8-AS1 (KCNJ8 antisense RNA 1; plus strand). Cytogenetic location: 12p12.1.
Variant type: single nucleotide variant.
Coding change: c.4454A>G on transcript NM_020297.4 (MANE Select); coding-DNA position 4454, A replaced by G.
Protein change: p.Asn1485Ser; replaces asparagine 1485 with serine.
Molecular consequence: missense variant.
Genome position (GRCh38, 1-based): chr12:21,806,056, T>C on the plus strand (A>G on the coding strand, the complement: ABCC9 is on the minus strand). VCF-style: chr12-21806056-T-C. GRCh37 (hg19) VCF-style: chr12-21958990-T-C.
Other names: c.4454A>G, p.Asn1485Ser (NM_001377273.1, NM_005691.4); c.3587A>G, p.Asn1196Ser (NM_001377274.1); short protein forms N1196S, N1485S.
Identifiers: ClinVar variation 2812575 (VCV002812575.3), dbSNP rs2540798101, ClinGen allele CA384130338.